The following is an entry in ClinVar:

NM_000051.4(ATM):c.4105T>C (p.Ser1369Pro)

Gene: ATM (ATM serine/threonine kinase; plus strand). Cytogenetic location: 11q22.3.
Variant type: single nucleotide variant.
Coding change: c.4105T>C on transcript NM_000051.4 (MANE Select); coding-DNA position 4105, T replaced by C.
Protein change: p.Ser1369Pro; replaces serine 1369 with proline.
Molecular consequence: missense variant.
Genome position (GRCh38, 1-based): chr11:108,287,711, T>C. VCF-style: chr11-108287711-T-C. GRCh37 (hg19) VCF-style: chr11-108158438-T-C.
Other names: c.4105T>C, p.Ser1369Pro (NM_001351834.2); short protein forms S1369P.
Identifiers: ClinVar variation 4866743 (VCV004866743.1).

ClinVar aggregate classification (germline): Uncertain significance (1 of 4 stars; one submission).

Conditions:
Hereditary cancer-predisposing syndrome. Also called: Neoplastic Syndromes, Hereditary; Tumor predisposition; Hereditary Cancer Syndrome; Hereditary neoplastic syndrome. Identifiers: Orphanet 140162, MedGen C0027672, MeSH D009386, MONDO:0015356.

Submission:

Ambry Genetics
Classification: Uncertain significance for Hereditary cancer-predisposing syndrome. Last evaluated: 2026-05-14. Review status: criteria provided, single submitter. Criteria: Ambry Variant Classification Scheme 2023. Collection method: clinical testing. Allele origin: germline.
Comment: The p.S1369P variant (also known as c.4105T>C), located in coding exon 26 of the ATM gene, results from a T to C substitution at nucleotide position 4105. The serine at codon 1369 is replaced by proline, an amino acid with similar properties. In an assay testing ATM function, this variant showed a functionally normal result (Lee KS et al. Cell, 2025 Sep;188:5081-5099.e27). This amino acid position is not well conserved in available vertebrate species. In addition, the in silico prediction for this alteration is inconclusive. Based on the available evidence, the clinical significance of this variant remains unclear.

Literature cited by the submitters: PubMed 40580951.